The following is an entry in ClinVar:

NM_001365480.1(CCDC88A):c.1830A>T (p.Lys610Asn)

Gene: CCDC88A (coiled-coil domain containing 88A; minus strand). Cytogenetic location: 2p16.1.
Variant type: single nucleotide variant.
Coding change: c.1830A>T on transcript NM_001365480.1 (MANE Select); coding-DNA position 1830, A replaced by T.
Protein change: p.Lys610Asn; replaces lysine 610 with asparagine.
Molecular consequence: missense variant.
Genome position (GRCh38, 1-based): chr2:55,334,991, T>A on the plus strand (A>T on the coding strand, the complement: CCDC88A is on the minus strand). VCF-style: chr2-55334991-T-A. GRCh37 (hg19) VCF-style: chr2-55562127-T-A.
Other names: c.1830A>T, p.Lys610Asn (NM_001135597.2, NM_001254943.2, NM_018084.5); c.1830A>T (NM_001135597.1); short protein forms K610N.
Identifiers: ClinVar variation 1435788 (VCV001435788.6), dbSNP rs150415081, ClinGen allele CA1666066.

ClinVar aggregate classification (germline): Uncertain significance. Review status: criteria provided, multiple submitters, no conflicts (2 of 4 stars). 3 submissions from 3 submitters: Uncertain significance (3). Last evaluated 2024-09-20.

Allele frequency attached by ClinVar (database versions not stated): gnomAD 0.00011; TOPMed 0.00011; gnomAD exomes 0.00012 and 0.00029; ExAC 0.00015; 1000 Genomes Project 30x 0.00016; 1000 Genomes Project 0.00020; ESP Exome Variant Server 0.00038.
gnomAD v4.1: 442 of 1,597,664 alleles (0.028%); highest among the groups gnomAD compares: Non-Finnish European, 0.036%; 1 homozygote.

Submissions (3):

Ambry Genetics
Classification: Uncertain significance. Last evaluated: 2024-09-20. Review status: criteria provided, single submitter. Criteria: Ambry Variant Classification Scheme 2023. Collection method: clinical testing. Allele origin: germline.

GeneDx
Classification: Uncertain significance. Last evaluated: 2024-07-17. Review status: criteria provided, single submitter. Criteria: GeneDx Variant Classification Process June 2021. Collection method: clinical testing. Allele origin: germline. Affected: yes.
Comment: In silico analysis supports that this missense variant has a deleterious effect on protein structure/function; Has not been previously published as pathogenic or benign to our knowledge

Labcorp Genetics (formerly Invitae), Labcorp
Classification: Uncertain significance. Last evaluated: 2023-10-03. Review status: criteria provided, single submitter. Criteria: Invitae Variant Classification Sherloc (09022015). Collection method: clinical testing. Allele origin: germline.
Comment: This sequence change replaces lysine, which is basic and polar, with asparagine, which is neutral and polar, at codon 610 of the CCDC88A protein (p.Lys610Asn). This variant is present in population databases (rs150415081, gnomAD 0.02%). This variant has not been reported in the literature in individuals affected with CCDC88A-related conditions. ClinVar contains an entry for this variant (Variation ID: 1435788). An algorithm developed to predict the effect of missense changes on protein structure and function (PolyPhen-2) suggests that this variant¬†is likely to be tolerated. In summary, the available evidence is currently insufficient to determine the role of this variant in disease. Therefore, it has been classified as a Variant of Uncertain Significance.